The following is an entry in ClinVar:

ClinVar aggregate classification (germline): Likely benign. Review status: criteria provided, multiple submitters, no conflicts (2 of 4 stars). 2 submissions from 2 submitters: Likely benign (2). Last evaluated 2019-07-24.

Conditions:
Ataxia-telangiectasia syndrome (AT). Also called: Cerebello-oculocutaneous telangiectasia; Immunodeficiency with ataxia telangiectasia; AT, COMPLEMENTATION GROUP C; Ataxia-telangiectasia, complementation group D; LOUIS-BAR SYNDROME; Ataxia-telangiectasia, complementation group E. Identifiers: Orphanet 100, MedGen C0004135, MONDO:0008840, OMIM 208900.

Submissions (2):

Labcorp Genetics (formerly Invitae), Labcorp
Classification: Likely benign for Ataxia-telangiectasia syndrome. Last evaluated: 2019-07-24. Review status: criteria provided, single submitter. Criteria: Invitae Variant Classification Sherloc (09022015). Collection method: clinical testing. Allele origin: germline.

GeneDx
Classification: Likely benign. Last evaluated: 2017-03-30. Review status: criteria provided, single submitter. Criteria: GeneDx Variant Classification (06012015). Collection method: clinical testing. Allele origin: germline. Affected: yes.
Comment: This variant is considered likely benign or benign based on one or more of the following criteria: it is a conservative change, it occurs at a poorly conserved position in the protein, it is predicted to be benign by multiple in silico algorithms, and/or has population frequency not consistent with disease.

NM_000051.4(ATM):c.4062A>C (p.Pro1354=)

Gene: ATM (ATM serine/threonine kinase; plus strand). Cytogenetic location: 11q22.3.
Variant type: single nucleotide variant.
Coding change: c.4062A>C on transcript NM_000051.4 (MANE Select); coding-DNA position 4062, A replaced by C.
Protein change: p.Pro1354=; no amino-acid change (proline 1354 retained).
Molecular consequence: synonymous variant.
Genome position (GRCh38, 1-based): chr11:108,287,668, A>C. VCF-style: chr11-108287668-A-C. GRCh37 (hg19) VCF-style: chr11-108158395-A-C.
Other names: c.4062A>C, p.Pro1354= (NM_001351834.2).
Identifiers: ClinVar variation 508533 (VCV000508533.9), dbSNP rs1555095974, ClinGen allele CA476673590.